The following is an entry in ClinVar:

ClinVar aggregate classification (germline): Uncertain significance (1 of 4 stars; one submission).

Submission:

Labcorp Genetics (formerly Invitae), Labcorp
Classification: Uncertain significance. Last evaluated: 2024-03-30. Review status: criteria provided, single submitter. Criteria: Invitae Variant Classification Sherloc (09022015). Collection method: clinical testing. Allele origin: germline.
Comment: This sequence change replaces alanine, which is neutral and non-polar, with valine, which is neutral and non-polar, at codon 1559 of the SETBP1 protein (p.Ala1559Val). This variant is not present in population databases (gnomAD no frequency). This variant has not been reported in the literature in individuals affected with SETBP1-related conditions. An algorithm developed to predict the effect of missense changes on protein structure and function (PolyPhen-2) suggests that this variant is likely to be tolerated. In summary, the available evidence is currently insufficient to determine the role of this variant in disease. Therefore, it has been classified as a Variant of Uncertain Significance.

NM_015559.3(SETBP1):c.4676C>T (p.Ala1559Val)

Gene: SETBP1 (SET binding protein 1; plus strand). Cytogenetic location: 18q12.3.
Variant type: single nucleotide variant.
Coding change: c.4676C>T on transcript NM_015559.3 (MANE Select); coding-DNA position 4676, C replaced by T.
Protein change: p.Ala1559Val; replaces alanine 1559 with valine.
Molecular consequence: missense variant.
Genome position (GRCh38, 1-based): chr18:45,063,583, C>T. VCF-style: chr18-45063583-C-T. GRCh37 (hg19) VCF-style: chr18-42643548-C-T.
Other names: c.4676C>T, p.Ala1559Val (NM_001379141.1, NM_001379142.1); c.4505C>T, p.Ala1502Val (NM_001410862.1); short protein forms A1502V, A1559V.
Identifiers: ClinVar variation 3700188 (VCV003700188.2).